The following is an entry in ClinVar:

NM_001843.4(CNTN1):c.265G>A (p.Asp89Asn)

Gene: CNTN1 (contactin 1; plus strand). Cytogenetic location: 12q12.
Variant type: single nucleotide variant.
Coding change: c.265G>A on transcript NM_001843.4 (MANE Select); coding-DNA position 265, G replaced by A.
Protein change: p.Asp89Asn; replaces aspartic acid 89 with asparagine.
Molecular consequence: missense variant.
Genome position (GRCh38, 1-based): chr12:40,922,293, G>A. VCF-style: chr12-40922293-G-A. GRCh37 (hg19) VCF-style: chr12-41316095-G-A.
Other names: c.265G>A, p.Asp89Asn (NM_001256063.2, NM_001256064.2); c.232G>A, p.Asp78Asn (NM_175038.2); c.265G>A (NM_001843.2); short protein forms D89N, D78N.
Identifiers: ClinVar variation 645568 (VCV000645568.10), dbSNP rs751205601, ClinGen allele CA6516569.

ClinVar aggregate classification (germline): Uncertain significance. Review status: criteria provided, multiple submitters, no conflicts (2 of 4 stars). 2 submissions from 2 submitters: Uncertain significance (2). Last evaluated 2023-12-16.

Conditions:
Inborn genetic diseases. Identifiers: MedGen C0950123, MeSH D030342.
Compton-North congenital myopathy (CMYO12). Identifiers: Orphanet 210163, MedGen C2675527, MONDO:0012929, OMIM 612540.

Allele frequency attached by ClinVar (database versions not stated): gnomAD 0.00001; gnomAD exomes 0.00001; ExAC 0.00001.
gnomAD v4.1: 18 of 1,613,854 alleles (0.0011%); highest among the groups gnomAD compares: Non-Finnish European, 0.0015%; no homozygotes.

Submissions (2):

Ambry Genetics
Classification: Uncertain significance for Inborn genetic diseases. Last evaluated: 2023-12-16. Review status: criteria provided, single submitter. Criteria: Ambry Variant Classification Scheme 2023. Collection method: clinical testing. Allele origin: germline.

Labcorp Genetics (formerly Invitae), Labcorp
Classification: Uncertain significance for Compton-North congenital myopathy. Last evaluated: 2023-10-13. Review status: criteria provided, single submitter. Criteria: Invitae Variant Classification Sherloc (09022015). Collection method: clinical testing. Allele origin: germline.
Comment: This sequence change replaces aspartic acid, which is acidic and polar, with asparagine, which is neutral and polar, at codon 89 of the CNTN1 protein (p.Asp89Asn). This variant is present in population databases (rs751205601, gnomAD 0.002%). This variant has not been reported in the literature in individuals affected with CNTN1-related conditions. ClinVar contains an entry for this variant (Variation ID: 645568). Advanced modeling of protein sequence and biophysical properties (such as structural, functional, and spatial information, amino acid conservation, physicochemical variation, residue mobility, and thermodynamic stability) performed at Invitae indicates that this missense variant is not expected to disrupt CNTN1 protein function. In summary, the available evidence is currently insufficient to determine the role of this variant in disease. Therefore, it has been classified as a Variant of Uncertain Significance.